The following is an entry in ClinVar:

ClinVar aggregate classification (germline): Conflicting classifications of pathogenicity. Review status: criteria provided, conflicting classifications (1 of 4 stars). 3 submissions from 3 submitters: Uncertain significance (1); Likely benign (2). Last evaluated 2025-12-15.

Conditions:
COX15-related disorder. Also called: COX15-related condition.

Allele frequency attached by ClinVar (database versions not stated): gnomAD exomes 0.00007 and 0.00021; ExAC 0.00032; gnomAD 0.00069 and 0.00076; TOPMed 0.00073; 1000 Genomes Project 30x 0.00109; 1000 Genomes Project 0.00120; ESP Exome Variant Server 0.00138.
gnomAD v4.1: 205 of 1,614,038 alleles (0.013%); highest among the groups gnomAD compares: African/African-American, 0.25%; no homozygotes.

Submissions (3):

Labcorp Genetics (formerly Invitae), Labcorp
Classification: Likely benign. Last evaluated: 2025-12-15. Review status: criteria provided, single submitter. Criteria: Invitae Variant Classification Sherloc (09022015). Collection method: clinical testing. Allele origin: germline.

PreventionGenetics, part of Exact Sciences
Classification: Likely benign for COX15-related condition. Last evaluated: 2025-08-24. Review status: criteria provided, single submitter. Criteria: ACMG Guidelines, 2015. Collection method: clinical testing. Allele origin: germline.
Comment: This variant is classified as likely benign based on ACMG/AMP sequence variant interpretation guidelines (Richards et al. 2015 PMID: 25741868, with internal and published modifications).

Blueprint Genetics
Classification: Uncertain significance. Last evaluated: 2024-03-07. Review status: criteria provided, single submitter. Criteria: ACMG Guidelines, 2015. Collection method: clinical testing. Allele origin: germline.

NM_078470.6(COX15):c.1040T>C (p.Ile347Thr)

Gene: COX15 (cytochrome c oxidase assembly factor COX15; minus strand). Cytogenetic location: 10q24.2.
Variant type: single nucleotide variant.
Coding change: c.1040T>C on transcript NM_078470.6 (MANE Select); coding-DNA position 1040, T replaced by C.
Protein change: p.Ile347Thr; replaces isoleucine 347 with threonine.
Molecular consequence: missense variant. On other transcripts: synonymous variant (2), non-coding transcript variant (1).
Genome position (GRCh38, 1-based): chr10:99,716,409, A>G on the plus strand (T>C on the coding strand, the complement: COX15 is on the minus strand). VCF-style: chr10-99716409-A-G. GRCh37 (hg19) VCF-style: chr10-101476166-A-G.
Other names: c.1040T>C, p.Ile347Thr (NM_001320974.2, NM_001372024.1, NM_001372027.1 and 1 more transcripts); c.885T>C, p.Asn295= (NM_001320975.2, NM_001372028.1); c.503T>C, p.Ile168Thr (NM_001320976.2); c.1058T>C, p.Ile353Thr (NM_001372025.1); c.1013T>C, p.Ile338Thr (NM_001372026.1); short protein forms I168T, I338T, I353T, I347T.
Identifiers: ClinVar variation 722849 (VCV000722849.12), dbSNP rs144580290, ClinGen allele CA5642103.